The following is an entry in ClinVar:

ClinVar aggregate classification (germline): Uncertain significance (1 of 4 stars; one submission).

Conditions:
MC4R-related disorder. Also called: MC4R-related condition.

Submission:

PreventionGenetics, part of Exact Sciences
Classification: Uncertain significance for MC4R-related condition. Last evaluated: 2026-06-16. Review status: criteria provided, single submitter. Criteria: ACMG Guidelines, 2015. Collection method: clinical testing. Allele origin: germline.
Comment: The MC4R c.422T>A variant is predicted to result in the amino acid substitution p.Leu141His. To our knowledge, this variant has not been reported in the literature or in a large population database (gnomAD), indicating this variant is rare. At this time, the clinical significance of this variant is uncertain due to the absence of conclusive functional and genetic evidence.

NM_005912.3(MC4R):c.422T>A (p.Leu141His)

Gene: MC4R (melanocortin 4 receptor; minus strand). Cytogenetic location: 18q21.32.
Variant type: single nucleotide variant.
Coding change: c.422T>A on transcript NM_005912.3 (MANE Select); coding-DNA position 422, T replaced by A.
Protein change: p.Leu141His; replaces leucine 141 with histidine.
Molecular consequence: missense variant.
Genome position (GRCh38, 1-based): chr18:60,371,928, A>T on the plus strand (T>A on the coding strand, the complement: MC4R is on the minus strand). VCF-style: chr18-60371928-A-T. GRCh37 (hg19) VCF-style: chr18-58039161-A-T.
Other names: short protein forms L141H.
Identifiers: ClinVar variation 5001159 (VCV005001159.1).